The following continues an entry in ClinVar:

NM_000059.4(BRCA2):c.7792GAA[1] (p.Glu2599del)

Gene: BRCA2. ClinVar aggregate classification (germline): Likely pathogenic. Likely pathogenic (1).

Submissions 6 to 10 of 10:

Cancer Variant Interpretation Group UK, Institute of Cancer Research, London
Classification: Likely pathogenic for Hereditary Breast and Ovarian Cancer. Last evaluated: 2020-08-13. Review status: criteria provided, single submitter. Criteria: ACMG Guidelines, 2015. Collection method: clinical testing. Allele origin: germline. Affected: yes. Observed: 1 variant allele. Not counted in ClinVar's aggregate classification.
Comment: Data included in classification: This variant is absent from population database gnomAD (PM2_mod) and has been reported in individuals with a personal and/or family history of breast and/or ovarian cancer (PMID: 20858050, 21120943, 24549055 and 29240602) (PS4_mod). This variant is predicted to result in the deletion of 1 amino acid residue from the BRCA2 protein (p.Glu2599del) (PM4_sup). The deletion is within the BRCA2 binding domain (AA 2481-3156) a hotspot region as defined by the ENIGMA BRCA1/2 gene variant classification criteria (2017). Data not included in classification: Personal communication with French laboratories revealed the variant to be a well-known BRCA2 mutation, particularly in Northern France. Co-segregation analyses by French laboratories lead to a LR causality >310000 and to a posterior probability of 0.9999992447747283. This result has not been published (reported in ClinVar as pathogenic in 2005). Additional communication revealed the variant to have been observed in 87 French families but there is no information on population size. Rebbeck et al., 2018 (PMID:29446198) indicate that the variant is predicted to be associated with stable mutant proteins (BS3_sup).

Mendelics
Classification: Likely pathogenic for Breast-ovarian cancer, familial, susceptibility to, 2. Last evaluated: 2019-05-28. Review status: criteria provided, single submitter. Criteria: Mendelics Assertion Criteria 2017. Collection method: clinical testing. Allele origin: unknown. Not counted in ClinVar's aggregate classification.

GeneDx
Classification: Uncertain significance. Last evaluated: 2017-05-16. Review status: criteria provided, single submitter. Criteria: GeneDx Variant Classification (06012015). Collection method: clinical testing. Allele origin: germline. Affected: yes. Not counted in ClinVar's aggregate classification.
Comment: This in-frame deletion of three nucleotides in BRCA2 is denoted c.7795_7797delGAA at the cDNA level and p.Glu2599del (E2599del) at the protein level. Using alternate nomenclature, this variant would be defined as BRCA2 8023_8025delGAA. The normal sequence, with the bases that are deleted in brackets, is AGAA[delGAA]TTTTA. This deletion of a single Glutamic Acid residue occurs at a position that is conserved across species and is located in the DNA binding domain (Yang 2002). This variant has been reported in several individuals evaluated for Hereditary Breast and Ovarian Cancer (Coulet 2010, Caux-Moncoutier 2011, Lecarpentier 2012, Castera 2014, Radrigeuz-Balada 2016). Since in-frame deletions may or may not inhibit proper protein functioning, the clinical significance of this finding remains unclear at this time and we consider BRCA2 Glu2599del to be a variant of uncertain significance.

Consortium of Investigators of Modifiers of BRCA1/2 (CIMBA), c/o University of Cambridge
Classification: Pathogenic for Breast-ovarian cancer, familial, susceptibility to, 2. Last evaluated: 2015-10-02. Review status: criteria provided, single submitter. Criteria: CIMBA Mutation Classification guidelines May 2016. Collection method: clinical testing. Allele origin: germline. Not counted in ClinVar's aggregate classification.

Breast Cancer Information Core (BIC) (BRCA2)
Classification: Uncertain significance for Breast-ovarian cancer, familial 2. Last evaluated: 2004-02-20. Review status: no assertion criteria provided. Collection method: clinical testing. Allele origin: germline. Affected: yes. Observed: 1 variant allele. Not counted in ClinVar's aggregate classification.

Literature cited by the submitters: PubMed 21120943 (cited by 3 submitters); PubMed 22505045 (cited by Ambry Genetics); PubMed 27886673 (cited by Ambry Genetics and Color Diagnostics, LLC DBA Color Health); PubMed 29084914 (cited by Ambry Genetics and Color Diagnostics, LLC DBA Color Health); PubMed 29446198 (cited by Ambry Genetics); PubMed 34597585 (cited by Ambry Genetics and Color Diagnostics, LLC DBA Color Health); PubMed 20858050 (cited by Labcorp Genetics (formerly Invitae), Labcorp); PubMed 24549055 (cited by Labcorp Genetics (formerly Invitae), Labcorp and Color Diagnostics, LLC DBA Color Health); PubMed 29240602 (cited by Labcorp Genetics (formerly Invitae), Labcorp and Color Diagnostics, LLC DBA Color Health); PubMed 15060014 (cited by Color Diagnostics, LLC DBA Color Health).